The following is an entry in ClinVar:

NM_001184.4(ATR):c.6845G>A (p.Ser2282Asn)

Gene: ATR (ATR checkpoint kinase; minus strand). Cytogenetic location: 3q23.
Variant type: single nucleotide variant.
Coding change: c.6845G>A on transcript NM_001184.4 (MANE Select); coding-DNA position 6845, G replaced by A.
Protein change: p.Ser2282Asn; replaces serine 2282 with asparagine.
Molecular consequence: missense variant.
Genome position (GRCh38, 1-based): chr3:142,466,376, C>T on the plus strand (G>A on the coding strand, the complement: ATR is on the minus strand). VCF-style: chr3-142466376-C-T. GRCh37 (hg19) VCF-style: chr3-142185218-C-T.
Other names: c.6653G>A, p.Ser2218Asn (NM_001354579.2); short protein forms S2282N, S2218N.
Identifiers: ClinVar variation 2624945 (VCV002624945.2), dbSNP rs2108273486, ClinGen allele CA354801417.
Genomic context (GRCh38, chr3:142,466,376, plus strand): 5'-AAGTTTACCATATCATCAAACCCTGCAATATAGGCCCAATGTCCAGGAAATGGTTCATGG[C>T]TAGCATGGTTAGCATGGGTACCCAGAATTGATGGAAGTGTAGGTATCATGACTGATTGTA-3'
Protein context (NP_001175.2, residues 2272-2292): SILGTHANHA[Ser2282Asn]HEPFPGHWAY

ClinVar aggregate classification (germline): Uncertain significance (1 of 4 stars; one submission).

Conditions:
Inborn genetic diseases. Identifiers: MedGen C0950123, MeSH D030342.

Submission:

Ambry Genetics
Classification: Uncertain significance for Inborn genetic diseases. Last evaluated: 2023-07-13. Review status: criteria provided, single submitter. Criteria: Ambry Variant Classification Scheme 2023. Collection method: clinical testing. Allele origin: germline.
Comment: The p.S2282N variant (also known as c.6845G>A), located in coding exon 40 of the ATR gene, results from a G to A substitution at nucleotide position 6845. The serine at codon 2282 is replaced by asparagine, an amino acid with highly similar properties. This amino acid position is conserved. In addition, this alteration is predicted to be tolerated by in silico analysis. Since supporting evidence is limited at this time, the clinical significance of this alteration remains unclear.